The following is an entry in ClinVar:

NM_005585.5(SMAD6):c.240_264del (p.Gly81fs)

Gene: SMAD6 (SMAD family member 6; plus strand). Cytogenetic location: 15q22.31.
Variant type: Deletion.
Coding change: c.240_264del on transcript NM_005585.5 (MANE Select); coding-DNA positions 240 to 264, 25 bases deleted (GGGGAGGCGCCGGCGCGCAGGGGGC).
Protein change: p.Gly81fs; shifts the reading frame from glycine 81.
Molecular consequence: frameshift variant. On other transcripts: non-coding transcript variant (1).
Genome position (GRCh38, 1-based): chr15:66,703,498-66,703,522, GGGGAGGCGCCGGCGCGCAGGGGGC deleted; deleting any 25 consecutive bases within chr15:66,703,496-66,703,522 gives the same sequence; the c. name uses the placement nearest the transcript's 3' end. VCF-style (leftmost placement, unchanged base first): chr15-66703495-CGCGGGGAGGCGCCGGCGCGCAGGGG-C. GRCh37 (hg19) VCF-style: chr15-66995833-CGCGGGGAGGCGCCGGCGCGCAGGGG-C.
Other names: short protein forms G81fs.
Identifiers: ClinVar variation 2086019 (VCV002086019.4), dbSNP rs2545311063, ClinGen allele CA2580089889.

ClinVar aggregate classification (germline): Uncertain significance (1 of 4 stars; one submission).

Conditions:
Aortic valve disease 2 (AOVD2). Identifiers: MedGen C3542024, MONDO:0013902, OMIM 614823.

Submission:

Labcorp Genetics (formerly Invitae), Labcorp
Classification: Uncertain significance for Aortic valve disease 2. Last evaluated: 2022-01-22. Review status: criteria provided, single submitter. Criteria: Invitae Variant Classification Sherloc (09022015). Collection method: clinical testing. Allele origin: germline.
Comment: In summary, the available evidence is currently insufficient to determine the role of this variant in disease. Therefore, it has been classified as a Variant of Uncertain Significance. This variant has not been reported in the literature in individuals affected with SMAD6-related conditions. This variant is not present in population databases (gnomAD no frequency). This sequence change creates a premature translational stop signal (p.Gly81Profs*36) in the SMAD6 gene. It is expected to result in an absent or disrupted protein product. However, the current clinical and genetic evidence is not sufficient to establish whether loss-of-function variants in SMAD6 cause disease.